The following is an entry in ClinVar:

ClinVar aggregate classification (germline): Uncertain significance (1 of 4 stars; one submission).

Conditions:
Inborn genetic diseases. Identifiers: MedGen C0950123, MeSH D030342.

gnomAD v4.1: 2 of 1,613,994 alleles (0.00012%); highest among the groups gnomAD compares: Admixed American, 0.0017%; no homozygotes.

Submission:

Ambry Genetics
Classification: Uncertain significance for Inborn genetic diseases. Last evaluated: 2025-07-12. Review status: criteria provided, single submitter. Criteria: Ambry Variant Classification Scheme 2023. Collection method: clinical testing. Allele origin: germline.
Comment: The p.C214G variant (also known as c.640T>G), located in coding exon 6 of the USB1 gene, results from a T to G substitution at nucleotide position 640. The cysteine at codon 214 is replaced by glycine, an amino acid with highly dissimilar properties. This amino acid position is conserved. In addition, the in silico prediction for this alteration is inconclusive. Based on the available evidence, the clinical significance of this variant remains unclear.

NM_024598.4(USB1):c.640T>G (p.Cys214Gly)

Gene: USB1 (U6 snRNA biogenesis phosphodiesterase 1; plus strand). Cytogenetic location: 16q21.
Variant type: single nucleotide variant.
Coding change: c.640T>G on transcript NM_024598.4 (MANE Select); coding-DNA position 640, T replaced by G.
Protein change: p.Cys214Gly; replaces cysteine 214 with glycine.
Molecular consequence: missense variant.
Genome position (GRCh38, 1-based): chr16:58,019,002, T>G. VCF-style: chr16-58019002-T-G. GRCh37 (hg19) VCF-style: chr16-58052906-T-G.
Other names: c.586T>G, p.Cys196Gly (NM_001195302.2); c.487T>G, p.Cys163Gly (NM_001330568.2); short protein forms C163G, C196G, C214G.
Identifiers: ClinVar variation 4196798 (VCV004196798.1).